The following is an entry in ClinVar:

NM_001165963.4(SCN1A):c.3661G>A (p.Glu1221Lys)

Genes: SCN1A (sodium voltage-gated channel alpha subunit 1; minus strand), LOC102724058 (uncharacterized LOC102724058; plus strand). Cytogenetic location: 2q24.3.
Variant type: single nucleotide variant.
Coding change: c.3661G>A on transcript NM_001165963.4 (MANE Select); coding-DNA position 3661, G replaced by A.
Protein change: p.Glu1221Lys; replaces glutamic acid 1221 with lysine.
Molecular consequence: missense variant. On other transcripts: non-coding transcript variant (1).
Genome position (GRCh38, 1-based): chr2:166,013,788, C>T on the plus strand (G>A on the coding strand, the complement: SCN1A is on the minus strand). VCF-style: chr2-166013788-C-T. GRCh37 (hg19) VCF-style: chr2-166870298-C-T.
Other names: c.3577G>A, p.Glu1193Lys (NM_001165964.3, NM_001353957.2, NM_001353958.2); c.3661G>A, p.Glu1221Lys (NM_001202435.3, NM_001353948.2); c.3628G>A, p.Glu1210Lys (NM_001353949.2, NM_001353950.2, NM_001353951.2 and 2 more transcripts); c.3625G>A, p.Glu1209Lys (NM_001353954.2, NM_001353955.2); c.3574G>A, p.Glu1192Lys (NM_001353960.2); c.1219G>A, p.Glu407Lys (NM_001353961.2); short protein forms E407K, E1192K, E1193K, E1209K, E1210K, E1221K.
Identifiers: ClinVar variation 2203188 (VCV002203188.5), dbSNP rs794726854, ClinGen allele CA349055930.

ClinVar aggregate classification (germline): Pathogenic. Review status: criteria provided, multiple submitters, no conflicts (2 of 4 stars). 2 submissions from 2 submitters: Pathogenic (2). Last evaluated 2024-11-11.

Conditions:
Generalized epilepsy with febrile seizures plus, type 2 (GEFSP2). Also called: GEFS+, TYPE 2. Identifiers: Orphanet 36387, MedGen C1858673, MONDO:0011461, OMIM 604403.
Early-infantile DEE. Also called: Early infantile epileptic encephalopathy; Ohtahara syndrome; Early infantile epileptic encephalopathy with suppression bursts. Identifiers: Orphanet 1934, MedGen C0393706, MONDO:0800491.

Submissions (2):

Labcorp Genetics (formerly Invitae), Labcorp
Classification: Pathogenic for Early-infantile DEE. Last evaluated: 2024-11-11. Review status: criteria provided, single submitter. Criteria: Invitae Variant Classification Sherloc (09022015). Collection method: clinical testing. Allele origin: germline.
Comment: This sequence change replaces glutamic acid, which is acidic and polar, with lysine, which is basic and polar, at codon 1221 of the SCN1A protein (p.Glu1221Lys). This variant is not present in population databases (gnomAD no frequency). This missense change has been observed in individual(s) with Dravet syndrome (PMID: 21248271). ClinVar contains an entry for this variant (Variation ID: 2203188). Invitae Evidence Modeling of protein sequence and biophysical properties (such as structural, functional, and spatial information, amino acid conservation, physicochemical variation, residue mobility, and thermodynamic stability) indicates that this missense variant is expected to disrupt SCN1A protein function with a positive predictive value of 95%. This variant disrupts the p.Glu1221 amino acid residue in SCN1A. Other variant(s) that disrupt this residue have been determined to be pathogenic (PMID: 21248271, 26096185; internal data). This suggests that this residue is clinically significant, and that variants that disrupt this residue are likely to be disease-causing. For these reasons, this variant has been classified as Pathogenic.

Genetics and Genomic Medicine Centre, NeuroGen Healthcare, NeuroGen Healthcare
Classification: Pathogenic for Generalized epilepsy with febrile seizures plus, type 2. Last evaluated: 2024-04-12. Review status: criteria provided, single submitter. Criteria: ACMG Guidelines, 2015. Collection method: clinical testing. Allele origin: unknown. Affected: yes.

Literature cited by the submitters: PubMed 21248271 (cited by Labcorp Genetics (formerly Invitae), Labcorp); PubMed 26096185 (cited by Labcorp Genetics (formerly Invitae), Labcorp).